The following is an entry in ClinVar:

ClinVar aggregate classification (germline): Uncertain significance (1 of 4 stars; one submission).

Conditions:
DIAPH3-related disorder. Also called: DIAPH3-related condition.

gnomAD v4.1: 12 of 1,613,626 alleles (0.00074%); highest among the groups gnomAD compares: East Asian, 0.0022%; no homozygotes.

Submission:

PreventionGenetics, part of Exact Sciences
Classification: Uncertain significance for DIAPH3-related condition. Last evaluated: 2025-06-24. Review status: criteria provided, single submitter. Criteria: ACMG Guidelines, 2015. Collection method: clinical testing. Allele origin: germline.
Comment: The DIAPH3 c.2642C>T variant is predicted to result in the amino acid substitution p.Thr881Met. To our knowledge, this variant has not been reported in the literature. This variant is reported in 0.0033% of alleles in individuals of South Asian descent in gnomAD. At this time, the clinical significance of this variant is uncertain due to the absence of conclusive functional and genetic evidence.

NM_001042517.2(DIAPH3):c.2642C>T (p.Thr881Met)

Gene: DIAPH3 (diaphanous related formin 3; minus strand). Cytogenetic location: 13q21.2.
Variant type: single nucleotide variant.
Coding change: c.2642C>T on transcript NM_001042517.2 (MANE Select); coding-DNA position 2642, C replaced by T.
Protein change: p.Thr881Met; replaces threonine 881 with methionine.
Molecular consequence: missense variant.
Genome position (GRCh38, 1-based): chr13:59,861,502, G>A on the plus strand (C>T on the coding strand, the complement: DIAPH3 is on the minus strand). VCF-style: chr13-59861502-G-A. GRCh37 (hg19) VCF-style: chr13-60435636-G-A.
Other names: c.2609C>T, p.Thr870Met (NM_001258366.2); c.2504C>T, p.Thr835Met (NM_001258367.2); c.2432C>T, p.Thr811Met (NM_001258368.2); c.2642C>T, p.Thr881Met (NM_001258369.2); c.1853C>T, p.Thr618Met (NM_001258370.2, NM_030932.4); short protein forms T881M, T870M, T835M, T618M, T811M.
Identifiers: ClinVar variation 4981079 (VCV004981079.1).